The following is an entry in ClinVar:

ClinVar aggregate classification (germline): Uncertain significance (1 of 4 stars; one submission).

Conditions:
TCOF1-related disorder. Also called: TCOF1-related condition.

gnomAD v4.1: 18 of 1,614,048 alleles (0.0011%); highest among the groups gnomAD compares: Non-Finnish European, 0.0015%; no homozygotes.

Submission:

PreventionGenetics, part of Exact Sciences
Classification: Uncertain significance for TCOF1-related condition. Last evaluated: 2026-05-21. Review status: criteria provided, single submitter. Criteria: ACMG Guidelines, 2015. Collection method: clinical testing. Allele origin: germline.
Comment: The TCOF1 c.134C>A variant is predicted to result in the amino acid substitution p.Thr45Asn. To our knowledge, this variant has not been reported in the literature. This variant is reported in 0.0031% of alleles in individuals of European (Non-Finnish) descent in gnomAD. At this time, the clinical significance of this variant is uncertain due to the absence of conclusive functional and genetic evidence.

NM_001371623.1(TCOF1):c.134C>A (p.Thr45Asn)

Gene: TCOF1 (treacle ribosome biogenesis factor 1; plus strand). Cytogenetic location: 5q32.
Variant type: single nucleotide variant.
Coding change: c.134C>A on transcript NM_001371623.1 (MANE Select); coding-DNA position 134, C replaced by A.
Protein change: p.Thr45Asn; replaces threonine 45 with asparagine.
Molecular consequence: missense variant.
Genome position (GRCh38, 1-based): chr5:150,361,181, C>A. VCF-style: chr5-150361181-C-A. GRCh37 (hg19) VCF-style: chr5-149740744-C-A.
Other names: c.134C>A, p.Thr45Asn (NM_000356.4, NM_001008657.3, NM_001135243.2 and 4 more transcripts); short protein forms T45N.
Identifiers: ClinVar variation 4987492 (VCV004987492.1).
Genomic context (GRCh38, chr5:150,361,181, plus strand): 5'-GGATTAATTGTGGCTTTCTCTTTACCTCTCTGCAGAAGTGTTTCCTGGCTCAGCCCGTAA[C>A]CCTTCTGGACATCTATACACACTGGCAACAGTAAGTGGTGGGGCCTATAGGGTGGAGTAG-3'
Protein context (NP_001358552.1, residues 35-55): GQKCFLAQPV[Thr45Asn]LLDIYTHWQQ